The following is an entry in ClinVar:

ClinVar aggregate classification (germline): Uncertain significance (1 of 4 stars; one submission).

Conditions:
SETD2-related disorder.

gnomAD v4.1: 2 of 1,610,584 alleles (0.00012%); highest among the groups gnomAD compares: South Asian, 0.0011%; no homozygotes.

Submission:

PreventionGenetics, part of Exact Sciences
Classification: Uncertain significance for SETD2-related condition. Last evaluated: 2025-08-24. Review status: criteria provided, single submitter. Criteria: ACMG Guidelines, 2015. Collection method: clinical testing. Allele origin: germline.
Comment: The SETD2 c.1736A>G variant is predicted to result in the amino acid substitution p.Asn579Ser. To our knowledge, this variant has not been reported in the literature or in a large population database (gnomAD), indicating this variant is rare. At this time, the clinical significance of this variant is uncertain due to the absence of conclusive functional and genetic evidence.

NM_014159.7(SETD2):c.1736A>G (p.Asn579Ser)

Gene: SETD2 (SET domain containing 2, histone lysine methyltransferase; minus strand). Cytogenetic location: 3p21.31.
Variant type: single nucleotide variant.
Coding change: c.1736A>G on transcript NM_014159.7 (MANE Select); coding-DNA position 1736, A replaced by G.
Protein change: p.Asn579Ser; replaces asparagine 579 with serine.
Molecular consequence: missense variant. On other transcripts: non-coding transcript variant (1).
Genome position (GRCh38, 1-based): chr3:47,122,900, T>C on the plus strand (A>G on the coding strand, the complement: SETD2 is on the minus strand). VCF-style: chr3-47122900-T-C. GRCh37 (hg19) VCF-style: chr3-47164390-T-C.
Other names: c.1604A>G, p.Asn535Ser (NM_001349370.3); short protein forms N535S, N579S.
Identifiers: ClinVar variation 5001369 (VCV005001369.1).